The following is an entry in ClinVar:

NM_000203.5(IDUA):c.1641dup (p.Pro548fs)

Gene: IDUA (alpha-L-iduronidase; plus strand). Cytogenetic location: 4p16.3.
Variant type: Duplication.
Coding change: c.1641dup on transcript NM_000203.5 (MANE Select); coding-DNA position 1641, one base duplicated (G; older notation c.1641dupG).
Protein change: p.Pro548fs; shifts the reading frame from proline 548.
Molecular consequence: frameshift variant. On other transcripts: non-coding transcript variant (1).
Genome position (GRCh38, 1-based): chr4:1,003,461, G duplicated. VCF-style (leftmost placement, unchanged base first): chr4-1003460-C-CG. GRCh37 (hg19) VCF-style: chr4-997248-C-CG.
Other names: NM_001363576.1:c.1245dup; c.1245dup, p.Pro416fs (NM_001363576.1); short protein forms P416fs, P548fs.
Identifiers: ClinVar variation 4818934 (VCV004818934.1).

ClinVar aggregate classification (germline): Likely pathogenic (3 of 4 stars; one submission).

Conditions:
Mucopolysaccharidosis type 1. Also called: IDUA deficiency; MPS I; Mucopolysaccharidosis Type I. Identifiers: Orphanet 579, MedGen C0023786, MONDO:0001586.

Submission:

ClinGen Lysosomal Storage Disorder Variant Curation Expert Panel
Classification: Likely pathogenic for Mucopolysaccharidosis type 1. Last evaluated: 2026-01-27. Review status: reviewed by expert panel. Criteria: ClinGen LSD ACMG Specifications IDUA V1.2.0. Collection method: curation. Allele origin: germline. Inheritance: Autosomal recessive inheritance.
Comment: The NM_000203.5(IDUA):c.1641dup (p.Pro548AlafsTer24) variant in IDUA is a frameshift variant that is predicted to cause a premature stop codon in biologically-relevant-exon 12 out of 14, leading to nonsense mediated decay in a gene in which loss-of-function is an established disease mechanism (PVS1). The variant has been reported in one proband with MPS I. However, no clinical data is provided (PMIDs: 35614200) (insufficient data to apply PP4 or PM3). This variant is absent from gnomAD v4.1.0. (PM2_Supporting). The classification of this variant has been upgraded from Variant of Uncertain Significance to Likely Pathogenic based on the recommendations of the ClinGen Sequence Variant Interpretation Working Group, that a variant meeting PVS1 and PM2_Supporting is classified as Likely Pathogenic. IDUA-specific ACMG/AMP criteria met, as specified by the ClinGen Lysosomal Diseases Variant Curation Expert Panel (Specifications Version 1.2.0.): PVS1, PM2_Supporting. (Classification approved by the ClinGen Lysosomal Diseases Variant Curation Expert Panel on January 27, 2026)